The following is an entry in ClinVar:

NM_001375405.1(CEP120):c.1151C>A (p.Ser384Tyr)

Gene: CEP120 (centrosomal protein 120; minus strand). Cytogenetic location: 5q23.2.
Variant type: single nucleotide variant.
Coding change: c.1151C>A on transcript NM_001375405.1 (MANE Select); coding-DNA position 1151, C replaced by A.
Protein change: p.Ser384Tyr; replaces serine 384 with tyrosine.
Molecular consequence: missense variant. On other transcripts: non-coding transcript variant (1), intron variant (1).
Genome position (GRCh38, 1-based): chr5:123,390,028, G>T on the plus strand (C>A on the coding strand, the complement: CEP120 is on the minus strand). VCF-style: chr5-123390028-G-T. GRCh37 (hg19) VCF-style: chr5-122725722-G-T.
Other names: c.1073C>A, p.Ser358Tyr (NM_001166226.2); c.1151C>A, p.Ser384Tyr (NM_001375407.1, NM_153223.4); c.578C>A, p.Ser193Tyr (NM_001375408.1, NM_001375409.1); c.1039-23C>A (NM_001375406.1); c.1151C>A (NM_153223.3); short protein forms S193Y, S358Y, S384Y.
Identifiers: ClinVar variation 2154476 (VCV002154476.5), dbSNP rs745593990, ClinGen allele CA3387042.

ClinVar aggregate classification (germline): Uncertain significance. Review status: criteria provided, multiple submitters, no conflicts (2 of 4 stars). 2 submissions from 2 submitters: Uncertain significance (2). Last evaluated 2024-04-04.

Conditions:
Inborn genetic diseases. Identifiers: MedGen C0950123, MeSH D030342.
Short-rib thoracic dysplasia 13 with or without polydactyly (SRTD13). Identifiers: Orphanet 474, MedGen C4225378, MONDO:0014577, OMIM 616300.

Allele frequency attached by ClinVar (database versions not stated): gnomAD 0.00001; ExAC 0.00006.
gnomAD v4.1: 16 of 1,613,924 alleles (0.00099%); highest among the groups gnomAD compares: Non-Finnish European, 0.0013%; no homozygotes.

Submissions (2):

Ambry Genetics
Classification: Uncertain significance for Inborn genetic diseases. Last evaluated: 2024-04-04. Review status: criteria provided, single submitter. Criteria: Ambry Variant Classification Scheme 2023. Collection method: clinical testing. Allele origin: germline.

Labcorp Genetics (formerly Invitae), Labcorp
Classification: Uncertain significance for Short-rib thoracic dysplasia 13 with or without polydactyly. Last evaluated: 2022-08-15. Review status: criteria provided, single submitter. Criteria: Invitae Variant Classification Sherloc (09022015). Collection method: clinical testing. Allele origin: germline.
Comment: In summary, the available evidence is currently insufficient to determine the role of this variant in disease. Therefore, it has been classified as a Variant of Uncertain Significance. This variant has not been reported in the literature in individuals affected with CEP120-related conditions. This sequence change replaces serine, which is neutral and polar, with tyrosine, which is neutral and polar, at codon 384 of the CEP120 protein (p.Ser384Tyr). This variant is present in population databases (rs745593990, gnomAD 0.006%). Algorithms developed to predict the effect of missense changes on protein structure and function are either unavailable or do not agree on the potential impact of this missense change (SIFT: "Deleterious"; PolyPhen-2: "Possibly Damaging"; Align-GVGD: "Class C0").